The following is an entry in ClinVar:

NM_000179.3(MSH6):c.3738A>G (p.Ser1246=)

Gene: MSH6 (mutS homolog 6; plus strand). Cytogenetic location: 2p16.3.
Variant type: single nucleotide variant.
Coding change: c.3738A>G on transcript NM_000179.3 (MANE Select); coding-DNA position 3738, A replaced by G.
Protein change: p.Ser1246=; no amino-acid change (serine 1246 retained).
Molecular consequence: synonymous variant.
Genome position (GRCh38, 1-based): chr2:47,806,295, A>G. VCF-style: chr2-47806295-A-G. GRCh37 (hg19) VCF-style: chr2-48033434-A-G.
Other names: c.3348A>G, p.Ser1116= (NM_001281492.2); c.2832A>G, p.Ser944= (NM_001281493.2, NM_001281494.2).
Identifiers: ClinVar variation 1590984 (VCV001590984.9), dbSNP rs1553333075, ClinGen allele CA425998125.

ClinVar aggregate classification (germline): Benign/Likely benign. Review status: criteria provided, multiple submitters, no conflicts (2 of 4 stars). 2 submissions from 2 submitters: Benign (1); Likely benign (1). Last evaluated 2025-01-08.

Conditions:
Hereditary nonpolyposis colorectal neoplasms. Identifiers: MedGen C0009405, MeSH D003123.
Lynch syndrome 5 (LYNCH5). Also called: Hereditary non-polyposis colorectal cancer, type 5; Colorectal cancer, hereditary nonpolyposis, type 5. Identifiers: Orphanet 144, MedGen C1833477, MONDO:0013710, OMIM 614350. Disease mechanism: loss of function.

Submissions (2):

Myriad Genetics, Inc.
Classification: Benign for Lynch syndrome 5. Last evaluated: 2025-01-08. Review status: criteria provided, single submitter. Criteria: Myriad Autosomal Dominant, Autosomal Recessive and X-Linked Classification Criteria (2023). Collection method: clinical testing. Allele origin: unknown.
Comment: This variant is considered benign. This variant is a silent/synonymous amino acid change and it is not expected to impact splicing.

Labcorp Genetics (formerly Invitae), Labcorp
Classification: Likely benign for Hereditary nonpolyposis colorectal neoplasms. Last evaluated: 2021-11-09. Review status: criteria provided, single submitter. Criteria: Invitae Variant Classification Sherloc (09022015). Collection method: clinical testing. Allele origin: germline.